The following is an entry in ClinVar:

NM_006445.4(PRPF8):c.439A>G (p.Met147Val)

Gene: PRPF8 (pre-mRNA processing factor 8; minus strand). Cytogenetic location: 17p13.3.
Variant type: single nucleotide variant.
Coding change: c.439A>G on transcript NM_006445.4 (MANE Select); coding-DNA position 439, A replaced by G.
Protein change: p.Met147Val; replaces methionine 147 with valine.
Molecular consequence: missense variant.
Genome position (GRCh38, 1-based): chr17:1,682,034, T>C on the plus strand (A>G on the coding strand, the complement: PRPF8 is on the minus strand). VCF-style: chr17-1682034-T-C. GRCh37 (hg19) VCF-style: chr17-1585328-T-C.
Other names: short protein forms M147V.
Identifiers: ClinVar variation 1464232 (VCV001464232.9), dbSNP rs777421010, ClinGen allele CA8272608.

ClinVar aggregate classification (germline): Uncertain significance. Review status: criteria provided, multiple submitters, no conflicts (2 of 4 stars). 2 submissions from 2 submitters: Uncertain significance (2). Last evaluated 2024-12-09.

Allele frequency attached by ClinVar (database versions not stated): ExAC 0.00002; gnomAD exomes 0.00002 and 0.00004; gnomAD 0.00003 and 0.00004; TOPMed 0.00003.

Submissions (2):

Labcorp Genetics (formerly Invitae), Labcorp
Classification: Uncertain significance. Last evaluated: 2024-12-09. Review status: criteria provided, single submitter. Criteria: Invitae Variant Classification Sherloc (09022015). Collection method: clinical testing. Allele origin: germline.
Comment: This sequence change replaces methionine, which is neutral and non-polar, with valine, which is neutral and non-polar, at codon 147 of the PRPF8 protein (p.Met147Val). This variant is present in population databases (rs777421010, gnomAD 0.004%). This variant has not been reported in the literature in individuals affected with PRPF8-related conditions. ClinVar contains an entry for this variant (Variation ID: 1464232). Invitae Evidence Modeling of protein sequence and biophysical properties (such as structural, functional, and spatial information, amino acid conservation, physicochemical variation, residue mobility, and thermodynamic stability) indicates that this missense variant is not expected to disrupt PRPF8 protein function with a negative predictive value of 80%. In summary, the available evidence is currently insufficient to determine the role of this variant in disease. Therefore, it has been classified as a Variant of Uncertain Significance.

Blueprint Genetics
Classification: Uncertain significance. Last evaluated: 2019-10-30. Review status: criteria provided, single submitter. Criteria: ACMG Guidelines, 2015. Collection method: clinical testing. Allele origin: germline.